The following is an entry in ClinVar:

ClinVar aggregate classification (germline): Uncertain significance (1 of 4 stars; one submission).

Submission:

GeneDx
Classification: Uncertain significance. Last evaluated: 2023-01-03. Review status: criteria provided, single submitter. Criteria: GeneDx Variant Classification Process June 2021. Collection method: clinical testing. Allele origin: germline. Affected: yes.
Comment: Not observed at significant frequency in large population cohorts (gnomAD); In silico analysis supports that this missense variant does not alter protein structure/function; Has not been previously published as pathogenic or benign to our knowledge

NM_001379451.1(BCORL1):c.2684T>C (p.Phe895Ser)

Gene: BCORL1 (BCL6 corepressor like 1; plus strand). Cytogenetic location: Xq26.1.
Variant type: single nucleotide variant.
Coding change: c.2684T>C on transcript NM_001379451.1 (MANE Select); coding-DNA position 2684, T replaced by C.
Protein change: p.Phe895Ser; replaces phenylalanine 895 with serine.
Molecular consequence: missense variant.
Genome position (GRCh38, 1-based): chrX:130,015,456, T>C. VCF-style: chrX-130015456-T-C. GRCh37 (hg19) VCF-style: chrX-129149432-T-C.
Other names: c.2684T>C, p.Phe895Ser (NM_001184772.3, NM_001379450.1, NM_021946.5); short protein forms F895S.
Identifiers: ClinVar variation 2507207 (VCV002507207.1), dbSNP rs2522679213, ClinGen allele CA414592189.